The following is an entry in ClinVar:

NM_000260.4(MYO7A):c.3957dup (p.Met1320fs)

Gene: MYO7A (myosin VIIA; plus strand). Cytogenetic location: 11q13.5.
Variant type: Duplication.
Coding change: c.3957dup on transcript NM_000260.4 (MANE Select); coding-DNA position 3957, one base duplicated (C; older notation c.3957dupC).
Protein change: p.Met1320fs; shifts the reading frame from methionine 1320.
Molecular consequence: frameshift variant.
Genome position (GRCh38, 1-based): chr11:77,192,083, C duplicated. VCF-style (leftmost placement, unchanged base first): chr11-77192082-T-TC. GRCh37 (hg19) VCF-style: chr11-76903127-T-TC.
Other names: c.3957dup, p.Met1320fs (NM_001127180.2); c.3924dup, p.Met1309fs (NM_001369365.1); short protein forms M1309fs, M1320fs.
Identifiers: ClinVar variation 844516 (VCV000844516.7), dbSNP rs1956127429, ClinGen allele CA916083261.

ClinVar aggregate classification (germline): Pathogenic (1 of 4 stars; one submission).

Submission:

Labcorp Genetics (formerly Invitae), Labcorp
Classification: Pathogenic. Last evaluated: 2022-03-10. Review status: criteria provided, single submitter. Criteria: Invitae Variant Classification Sherloc (09022015). Collection method: clinical testing. Allele origin: germline.
Comment: This sequence change creates a premature translational stop signal (p.Met1320Hisfs*64) in the MYO7A gene. It is expected to result in an absent or disrupted protein product. Loss-of-function variants in MYO7A are known to be pathogenic (PMID: 8900236, 25404053). This variant is not present in population databases (gnomAD no frequency). This variant has not been reported in the literature in individuals affected with MYO7A-related conditions. ClinVar contains an entry for this variant (Variation ID: 844516). For these reasons, this variant has been classified as Pathogenic.

Literature cited by the submitters: PubMed 8900236; PubMed 25404053.